The following is an entry in ClinVar:

NM_001394062.1(MACF1):c.11060G>A (p.Ser3687Asn)

Gene: MACF1 (microtubule actin crosslinking factor 1; plus strand). Cytogenetic location: 1p34.3.
Variant type: single nucleotide variant.
Coding change: c.11060G>A on transcript NM_001394062.1 (MANE Select); coding-DNA position 11060, G replaced by A.
Protein change: p.Ser3687Asn; replaces serine 3687 with asparagine.
Molecular consequence: missense variant.
Genome position (GRCh38, 1-based): chr1:39,350,879, G>A. VCF-style: chr1-39350879-G-A. GRCh37 (hg19) VCF-style: chr1-39816551-G-A.
Other names: c.4874G>A, p.Ser1625Asn (NM_012090.5); short protein forms S1625N, S3687N.
Identifiers: ClinVar variation 5020151 (VCV005020151.1).

ClinVar aggregate classification (germline): Uncertain significance (1 of 4 stars; one submission).

gnomAD v4.1: 1 of 1,614,098 alleles (0.000062%); no homozygotes.

Submission:

Dasa
Classification: Uncertain significance. Last evaluated: 2026-07-23. Review status: criteria provided, single submitter. Criteria: DASA Assertion Criteria. Collection method: clinical testing. Allele origin: germline.
Comment: NM_001394062.1(MACF1):c.11060G>A (p.Ser3687Asn) is a missense variant that results in the substitution of serine with asparagine. This variant is rare in population databases. Computational prediction algorithms are consistent with a benign effect. The currently available literature and clinical evidence are not sufficient to establish a definitive association between this variant and the reported condition. Therefore, this variant is classified as a variant of uncertain significance.